The following is an entry in ClinVar:

NM_172364.5(CACNA2D4):c.3409C>G (p.Arg1137Gly)

Gene: CACNA2D4 (calcium voltage-gated channel auxiliary subunit alpha2delta 4; minus strand). Cytogenetic location: 12p13.33.
Variant type: single nucleotide variant.
Coding change: c.3409C>G on transcript NM_172364.5 (MANE Select); coding-DNA position 3409, C replaced by G.
Protein change: p.Arg1137Gly; replaces arginine 1137 with glycine.
Molecular consequence: missense variant.
Genome position (GRCh38, 1-based): chr12:1,793,660, G>C on the plus strand (C>G on the coding strand, the complement: CACNA2D4 is on the minus strand). VCF-style: chr12-1793660-G-C. GRCh37 (hg19) VCF-style: chr12-1902826-G-C.
Other names: short protein forms R1137G.
Identifiers: ClinVar variation 4721960 (VCV004721960.1).

ClinVar aggregate classification (germline): Uncertain significance (1 of 4 stars; one submission).

Submission:

Labcorp Genetics (formerly Invitae), Labcorp
Classification: Uncertain significance. Last evaluated: 2025-06-27. Review status: criteria provided, single submitter. Criteria: Invitae Variant Classification Sherloc (09022015). Collection method: clinical testing. Allele origin: germline.
Comment: This sequence change replaces arginine, which is basic and polar, with glycine, which is neutral and non-polar, at codon 1137 of the CACNA2D4 protein (p.Arg1137Gly). This variant is not present in population databases (gnomAD no frequency). This variant has not been reported in the literature in individuals affected with CACNA2D4-related conditions. An algorithm developed to predict the effect of missense changes on protein structure and function (PolyPhen-2) suggests that this variant is likely to be tolerated. In summary, the available evidence is currently insufficient to determine the role of this variant in disease. Therefore, it has been classified as a Variant of Uncertain Significance.